The following is an entry in ClinVar:

NM_015338.6(ASXL1):c.442C>T (p.Pro148Ser)

Gene: ASXL1 (ASXL transcriptional regulator 1; plus strand). Cytogenetic location: 20q11.21.
Variant type: single nucleotide variant.
Coding change: c.442C>T on transcript NM_015338.6 (MANE Select); coding-DNA position 442, C replaced by T.
Protein change: p.Pro148Ser; replaces proline 148 with serine.
Molecular consequence: missense variant.
Genome position (GRCh38, 1-based): chr20:32,428,393, C>T. VCF-style: chr20-32428393-C-T. GRCh37 (hg19) VCF-style: chr20-31016196-C-T.
Other names: c.412C>T, p.Pro138Ser (NM_001363734.1); short protein forms P138S, P148S.
Identifiers: ClinVar variation 3956948 (VCV003956948.1).
Genomic context (GRCh38, chr20:32,428,393, plus strand): 5'-GATGAAACATCTTCGAACGCATCCTGTTCTACAGAATCTCAGAGTCGACCTCTTTCCAAT[C>T]CCAGGGACAGCTACAGAGCTTCCTCACAGGTAAGGAAGAGGTAGAGCCTAGCCTGGGAGG-3'
Protein context (NP_056153.2, residues 138-158): TESQSRPLSN[Pro148Ser]RDSYRASSQA

ClinVar aggregate classification (germline): Uncertain significance (1 of 4 stars; one submission).

Conditions:
Inborn genetic diseases. Identifiers: MedGen C0950123, MeSH D030342.

Submission:

Ambry Genetics
Classification: Uncertain significance for Inborn genetic diseases. Last evaluated: 2025-05-16. Review status: criteria provided, single submitter. Criteria: Ambry Variant Classification Scheme 2023. Collection method: clinical testing. Allele origin: germline.
Comment: The p.P148S variant (also known as c.442C>T), located in coding exon 6 of the ASXL1 gene, results from a C to T substitution at nucleotide position 442. The proline at codon 148 is replaced by serine, an amino acid with similar properties. This amino acid position is conserved. In addition, this alteration is predicted to be tolerated by in silico analysis. Based on the available evidence, the clinical significance of this variant remains unclear.